The following is an entry in ClinVar:

NM_000492.4(CFTR):c.43_44delinsG (p.Leu15fs)

Gene: CFTR (CF transmembrane conductance regulator; plus strand). Cytogenetic location: 7q31.2.
Variant type: Indel.
Coding change: c.43_44delinsG on transcript NM_000492.4 (MANE Select); coding-DNA positions 43 to 44, CT replaced by G.
Protein change: p.Leu15fs; shifts the reading frame from leucine 15.
Molecular consequence: frameshift variant.
Genome position (GRCh38, 1-based): chr7:117,480,137-117,480,138, CT replaced by G. VCF-style: chr7-117480137-CT-G. GRCh37 (hg19) VCF-style: chr7-117120191-CT-G.
Other names: c.43_44delCTinsG, p.Leu15Valfs (NM_000492.3); short protein forms L15fs.
Identifiers: ClinVar variation 4818560 (VCV004818560.1).

ClinVar aggregate classification (germline): Likely pathogenic (1 of 4 stars; one submission).

Conditions:
CFTR-related disorder (CFTR-RD). Also called: CFTR-related disorders; CFTR-related condition. Identifiers: MedGen C5924204, MONDO:7770004.

Submission:

Natera, Inc.
Classification: Likely pathogenic for CFTR-related disorders. Last evaluated: 2025-01-31. Review status: criteria provided, single submitter. Criteria: Natera Variant Classification Schema (03/2026). Collection method: clinical testing. Allele origin: germline.
Comment: The c.43_44delinsG variant in CFTR is a frameshift variant predicted to shift the reading frame beginning at codon 15 and leads to a stop codon 10 codons downstream. This variant is expected to result in nonsense mediated decay, truncation, or a dysfunctional protein product. This variant is rare in the general population with a frequency below the threshold expected for the associated phenotype(s). Given the available evidence, this variant is classified as Likely Pathogenic.